The following is an entry in ClinVar:

ClinVar aggregate classification (germline): no classifications from unflagged records (0 of 4 stars; one submission).

Submission:

GeneDx
Classification: Uncertain significance. Last evaluated: 2011-08-12. Review status: flagged submission. Criteria: Kaminsky et al. (Genet Med. 2011). Collection method: clinical testing. Allele origin: unknown. Affected: yes. Observed: 1 variant allele.
ClinVar note: Notes: This submission was flagged because its interpretation of this variant conflicts with the ClinGen Gene Dosage Map curation for the gene ZMYND11.
ClinVar note: Reason: Conflict with ClinGen Gene Dosage Map

GRCh38/hg38 10p15.3(chr10:14062-622709)x1

Genes: TUBB8 (tubulin beta 8 class VIII; minus strand), DIP2C (DIP2 acetate--CoA ligase C (putative); minus strand), ZMYND11 (zinc finger MYND-type containing 11; plus strand), LOC130003154 (ATAC-STARR-seq lymphoblastoid active region 2892; plus strand), LOC126860802 (BRD4-independent group 4 enhancer GRCh37_chr10:294268-295467; plus strand) and 11 more. Cytogenetic location: 10p15.3.
Variant type: copy number loss.
Change: copy number 1 (one copy instead of two) of chr10:14,062-622,709 (608.6 kb, GRCh38 coordinates, 1-based), cytogenetic band 10p15.3.
Identifiers: ClinVar variation 59397 (VCV000059397.2).